The following is an entry in ClinVar:

ClinVar aggregate classification (germline): Conflicting classifications of pathogenicity. Review status: criteria provided, conflicting classifications (1 of 4 stars). 3 submissions from 3 submitters: Likely pathogenic (1); Uncertain significance (2). Last evaluated 2025-12-18.

Conditions:
Retinal dystrophy. Also called: Inherited retinal dystrophy. Identifiers: Orphanet 71862, MedGen C0854723, MeSH D058499, MONDO:0019118, HP:0000556.
RPE65-related disorder. Also called: RPE65-related condition; RPE65-related disorders. Identifiers: MedGen CN239301.

gnomAD v4.1: 6 of 1,613,876 alleles (0.00037%); highest among the groups gnomAD compares: East Asian, 0.0045%; no homozygotes.

Submissions (3):

Women's Health and Genetics/Laboratory Corporation of America, LabCorp
Classification: Uncertain significance. Last evaluated: 2025-12-18. Review status: criteria provided, single submitter. Criteria: LabCorp Variant Classification Summary - May 2015. Collection method: clinical testing. Allele origin: germline.
Comment: Variant summary: RPE65 c.709C>T (p.Pro237Ser) results in a non-conservative amino acid change in the encoded protein sequence. Algorithms developed to predict the effect of missense changes on protein structure and function all suggest that this variant is likely to be disruptive. The variant was absent in 251384 control chromosomes. The available data on variant occurrences in the general population are insufficient to allow any conclusion about variant significance. c.709C>T has been observed in individual(s) affected with Retinal dysrophy (Matczynska_2024). These data do not allow any conclusion about variant significance. To our knowledge, no experimental evidence demonstrating an impact on protein function has been reported. The following publication have been ascertained in the context of this evaluation (PMID: 39202371). ClinVar contains an entry for this variant (Variation ID: 3028862). Based on the evidence outlined above, the variant was classified as uncertain significance.

PreventionGenetics, part of Exact Sciences
Classification: Likely pathogenic for RPE65-related condition. Last evaluated: 2025-10-16. Review status: criteria provided, single submitter. Criteria: ACMG Guidelines, 2015. Collection method: clinical testing. Allele origin: germline.
Comment: The RPE65 c.709C>T variant is predicted to result in the amino acid substitution p.Pro237Ser. This variant has been reported along with a known pathogenic RPE65 missense variant in an individual with inherited retinal disease (Matczyńska et al. 2024. PubMed ID: 39202371). This missense variant is predicted damaging to the encoded protein (Liu et al. 2016. PubMed ID:26555599). This variant is absent in a large population database (gnomAD), indicating this variant is rare. Given the evidence, we classify this variant as likely pathogenic.

Dept Of Ophthalmology, Nagoya University
Classification: Uncertain significance for Retinal dystrophy. Last evaluated: 2023-10-01. Review status: criteria provided, single submitter. Criteria: Submitter's publication. Collection method: research. Allele origin: germline. Affected: yes.

Literature cited by the submitters: PubMed 39202371 (cited by Women's Health and Genetics/Laboratory Corporation of America, LabCorp).

NM_000329.3(RPE65):c.709C>T (p.Pro237Ser)

Gene: RPE65 (retinoid isomerohydrolase RPE65; minus strand). Cytogenetic location: 1p31.3.
Variant type: single nucleotide variant.
Coding change: c.709C>T on transcript NM_000329.3 (MANE Select); coding-DNA position 709, C replaced by T.
Protein change: p.Pro237Ser; replaces proline 237 with serine.
Molecular consequence: missense variant.
Genome position (GRCh38, 1-based): chr1:68,439,577, G>A on the plus strand (C>T on the coding strand, the complement: RPE65 is on the minus strand). VCF-style: chr1-68439577-G-A. GRCh37 (hg19) VCF-style: chr1-68905260-G-A.
Other names: c.709C>T (NM_000329.2); c.601C>T, p.Pro201Ser (NM_001406853.1); c.433C>T, p.Pro145Ser (NM_001406856.1, NM_001406857.1); c.709C>T, p.Pro237Ser (NM_001406859.1); short protein forms P145S, P201S, P237S.
Identifiers: ClinVar variation 3028862 (VCV003028862.3), dbSNP rs1645885882, ClinGen allele CA340745938.